The following is an entry in ClinVar:

NM_003680.4(YARS1):c.1005dup (p.Leu336fs)

Gene: YARS1 (tyrosyl-tRNA synthetase 1; minus strand). Cytogenetic location: 1p35.1.
Variant type: Duplication.
Coding change: c.1005dup on transcript NM_003680.4 (MANE Select); coding-DNA position 1005, one base duplicated (A; older notation c.1005dupA).
Protein change: p.Leu336fs; shifts the reading frame from leucine 336.
Molecular consequence: frameshift variant.
Genome position (GRCh38, 1-based): chr1:32,782,441, T duplicated on the plus strand (A on the coding strand, the reverse complement: YARS1 is on the minus strand); the first of 6 consecutive T bases (chr1:32,782,441-32,782,446); duplicating any one gives the same sequence. VCF-style (leftmost placement, unchanged base first): chr1-32782440-G-GT. GRCh37 (hg19) VCF-style: chr1-33248041-G-GT.
Other names: short protein forms L336fs.
Identifiers: ClinVar variation 3731425 (VCV003731425.1).

ClinVar aggregate classification (germline): Uncertain significance (1 of 4 stars; one submission).

Conditions:
Metachromatic leukodystrophy (MLD). Also called: Cerebral sclerosis diffuse metachromatic form; Arylsulfatase A Deficiency; ARSA DEFICIENCY; CEREBROSIDE SULFATASE DEFICIENCY; METACHROMATIC LEUKOENCEPHALOPATHY; SULFATIDE LIPIDOSIS. Identifiers: Orphanet 512, MedGen C0023522, MONDO:0018868, OMIM 250100.

Submission:

Neuberg Centre For Genomic Medicine, NCGM
Classification: Uncertain significance for Metachromatic leukodystrophy. Last evaluated: 2023-06-22. Review status: criteria provided, single submitter. Criteria: ACMG Guidelines, 2015. Collection method: clinical testing. Allele origin: germline. Inheritance: Autosomal recessive inheritance. Affected: yes.
Comment: The frameshift c.1005dup(p.Leu336ThrfsTer58) variant in YARS1 gene has not been reported previously as a pathogenic variant nor as a benign variant, to our knowledge. The p.Leu336ThrfsTer58 variant is absent in gnomAD Exomes. This variant has not been submitted to the ClinVar database. This variant causes a frameshift starting with codon Leucine 336, changes this amino acid to Threonine residue, and creates a premature Stop codon at position 58 of the new reading frame, denoted p.Leu336ThrfsTer58. Loss of Function variants have not been reported previously in this gene. Additional functional studies will be required to prove protein truncation and Loss of Function mechanism. For these reasons, this variant has been classified as a Variant of Uncertain Significance (VUS). In absence of another reportable variant in YARS1 gene, the molecular diagnosis is not confirmed.